The following is an entry in ClinVar:

ClinVar aggregate classification (germline): Uncertain significance (1 of 4 stars; one submission).

Submission:

Labcorp Genetics (formerly Invitae), Labcorp
Classification: Uncertain significance. Last evaluated: 2022-07-05. Review status: criteria provided, single submitter. Criteria: Invitae Variant Classification Sherloc (09022015). Collection method: clinical testing. Allele origin: germline.
Comment: This sequence change replaces methionine, which is neutral and non-polar, with isoleucine, which is neutral and non-polar, at codon 2258 of the EYS protein (p.Met2258Ile). This variant is not present in population databases (gnomAD no frequency). This variant has not been reported in the literature in individuals affected with EYS-related conditions. ClinVar contains an entry for this variant (Variation ID: 1044488). Algorithms developed to predict the effect of missense changes on protein structure and function output the following: SIFT: "Tolerated"; PolyPhen-2: "Benign"; Align-GVGD: "Class C0". The isoleucine amino acid residue is found in multiple mammalian species, which suggests that this missense change does not adversely affect protein function. In summary, the available evidence is currently insufficient to determine the role of this variant in disease. Therefore, it has been classified as a Variant of Uncertain Significance.

NM_001142800.2(EYS):c.6774G>A (p.Met2258Ile)

Gene: EYS (eyes shut homolog; minus strand). Cytogenetic location: 6q12.
Variant type: single nucleotide variant.
Coding change: c.6774G>A on transcript NM_001142800.2 (MANE Select); coding-DNA position 6774, G replaced by A.
Protein change: p.Met2258Ile; replaces methionine 2258 with isoleucine.
Molecular consequence: missense variant.
Genome position (GRCh38, 1-based): chr6:63,999,135, C>T on the plus strand (G>A on the coding strand, the complement: EYS is on the minus strand). VCF-style: chr6-63999135-C-T. GRCh37 (hg19) VCF-style: chr6-64709028-C-T.
Other names: c.6774G>A, p.Met2258Ile (NM_001292009.2); short protein forms M2258I.
Identifiers: ClinVar variation 1044488 (VCV001044488.6), dbSNP rs1767966242, ClinGen allele CA364389699.
Genomic context (GRCh38, chr6:63,999,135, plus strand): 5'-CTGAGAGGCATGGGAAATCTCTGTGTCTTTCTTCTGTACTGGAGGTTTTCCATCTGCAGT[C>T]ATTTCAATCATACAAACAACTCCAGGGCTGCCAACAGGCGTTGTGTAGCTAAACGTAAAA-3'
Protein context (NP_001136272.1, residues 2248-2268): GSPGVVCMIE[Met2258Ile]TADGKPPVQK